The following is an entry in ClinVar:

NM_004380.3(CREBBP):c.1162A>G (p.Met388Val)

Gene: CREBBP (CREB binding lysine acetyltransferase; minus strand). Cytogenetic location: 16p13.3.
Variant type: single nucleotide variant.
Coding change: c.1162A>G on transcript NM_004380.3 (MANE Select); coding-DNA position 1162, A replaced by G.
Protein change: p.Met388Val; replaces methionine 388 with valine.
Molecular consequence: missense variant.
Genome position (GRCh38, 1-based): chr16:3,793,440, T>C on the plus strand (A>G on the coding strand, the complement: CREBBP is on the minus strand). VCF-style: chr16-3793440-T-C. GRCh37 (hg19) VCF-style: chr16-3843441-T-C.
Other names: c.1162A>G, p.Met388Val (NM_001079846.1); short protein forms M388V.
Identifiers: ClinVar variation 2576913 (VCV002576913.2), dbSNP rs2548463849, ClinGen allele CA394562580.

ClinVar aggregate classification (germline): Uncertain significance. Review status: criteria provided, multiple submitters, no conflicts (2 of 4 stars). 2 submissions from 2 submitters: Uncertain significance (2). Last evaluated 2026-04-05.

Conditions:
CREBBP-related disorder. Also called: CREBBP-related condition; CREBBP-related disorders.

Submissions (2):

PreventionGenetics, part of Exact Sciences
Classification: Uncertain significance for CREBBP-related condition. Last evaluated: 2026-04-05. Review status: criteria provided, single submitter. Criteria: ACMG Guidelines, 2015. Collection method: clinical testing. Allele origin: germline.
Comment: The CREBBP c.1162A>G variant is predicted to result in the amino acid substitution p.Met388Val. To our knowledge, this variant has not been reported in the literature or in a large population database (gnomAD), indicating this variant is rare. At this time, the clinical significance of this variant is uncertain due to the absence of conclusive functional and genetic evidence.

GeneDx
Classification: Uncertain significance. Last evaluated: 2023-02-15. Review status: criteria provided, single submitter. Criteria: GeneDx Variant Classification Process June 2021. Collection method: clinical testing. Allele origin: germline. Affected: yes.
Comment: Not observed at significant frequency in large population cohorts (gnomAD); In silico analysis supports that this missense variant has a deleterious effect on protein structure/function; Has not been previously published as pathogenic or benign to our knowledge